The following is an entry in ClinVar:

NM_000179.3(MSH6):c.2597A>T (p.Lys866Ile)

Gene: MSH6 (mutS homolog 6; plus strand). Cytogenetic location: 2p16.3.
Variant type: single nucleotide variant.
Coding change: c.2597A>T on transcript NM_000179.3 (MANE Select); coding-DNA position 2597, A replaced by T.
Protein change: p.Lys866Ile; replaces lysine 866 with isoleucine.
Molecular consequence: missense variant.
Genome position (GRCh38, 1-based): chr2:47,800,580, A>T. VCF-style: chr2-47800580-A-T. GRCh37 (hg19) VCF-style: chr2-48027719-A-T.
Other names: c.2207A>T, p.Lys736Ile (NM_001281492.2); c.1691A>T, p.Lys564Ile (NM_001281493.2, NM_001281494.2); short protein forms K866I, K564I, K736I.
Identifiers: ClinVar variation 410449 (VCV000410449.13), dbSNP rs190075874, ClinGen allele CA16610944.

ClinVar aggregate classification (germline): Uncertain significance. Review status: criteria provided, multiple submitters, no conflicts (2 of 4 stars). 4 submissions from 4 submitters: Uncertain significance (4). Last evaluated 2026-01-07.

Conditions:
Lynch syndrome. Identifiers: Orphanet 144, MedGen C4552100, MONDO:0005835. Disease mechanism: loss of function.
Hereditary nonpolyposis colorectal neoplasms. Identifiers: MedGen C0009405, MeSH D003123.
Hereditary cancer-predisposing syndrome. Also called: Tumor predisposition; Hereditary Cancer Syndrome; Hereditary neoplastic syndrome; Neoplastic Syndromes, Hereditary. Identifiers: Orphanet 140162, MedGen C0027672, MeSH D009386, MONDO:0015356.

gnomAD v4.1: 1 of 1,614,156 alleles (0.000062%); no homozygotes.

Submissions (4):

Labcorp Genetics (formerly Invitae), Labcorp
Classification: Uncertain significance for Hereditary nonpolyposis colorectal neoplasms. Last evaluated: 2026-01-07. Review status: criteria provided, single submitter. Criteria: Invitae Variant Classification Sherloc (09022015). Collection method: clinical testing. Allele origin: germline.
Comment: This sequence change replaces lysine, which is basic and polar, with isoleucine, which is neutral and non-polar, at codon 866 of the MSH6 protein (p.Lys866Ile). This variant is present in population databases (no rsID available, gnomAD no frequency). This variant has not been reported in the literature in individuals affected with MSH6-related conditions. ClinVar contains an entry for this variant (Variation ID: 410449). Invitae Evidence Modeling of protein sequence and biophysical properties (such as structural, functional, and spatial information, amino acid conservation, physicochemical variation, residue mobility, and thermodynamic stability) has been performed for this missense variant. However, the output from this modeling did not meet the statistical confidence thresholds required to predict the impact of this variant on MSH6 protein function. In summary, the available evidence is currently insufficient to determine the role of this variant in disease. Therefore, it has been classified as a Variant of Uncertain Significance.

All of Us Research Program, National Institutes of Health
Classification: Uncertain significance for Lynch syndrome. Last evaluated: 2024-09-23. Review status: criteria provided, single submitter. Criteria: ACMG Guidelines, 2015. Collection method: clinical testing. Allele origin: germline. Inheritance: Autosomal dominant inheritance. Observed: 1 variant allele, 1 heterozygote.
Comment: This missense variant replaces lysine with isoleucine at codon 866 of the MSH6 protein. Computational prediction suggests that this variant may have deleterious impact on protein structure and function (internally defined REVEL score threshold >= 0.7, PMID: 27666373). To our knowledge, functional studies have not been reported for this variant. This variant has not been reported in individuals affected with hereditary cancer in the literature. This variant has been identified in 1/249780 chromosomes in the general population by the Genome Aggregation Database (gnomAD). The available evidence is insufficient to determine the role of this variant in disease conclusively. Therefore, this variant is classified as a Variant of Uncertain Significance.

This study involves interpretation of variants in research participants for the purpose of population health screening. Participant phenotype was not available at the time of variant classification. Additional details can be found in publication PMID: 35346344, PMCID: PMC8962531

Ambry Genetics
Classification: Uncertain significance for Hereditary cancer-predisposing syndrome. Last evaluated: 2024-06-21. Review status: criteria provided, single submitter. Criteria: Ambry Variant Classification Scheme 2023. Collection method: clinical testing. Allele origin: germline.
Comment: The p.K866I variant (also known as c.2597A>T), located in coding exon 4 of the MSH6 gene, results from an A to T substitution at nucleotide position 2597. The lysine at codon 866 is replaced by isoleucine, an amino acid with dissimilar properties. This amino acid position is highly conserved in available vertebrate species. In addition, this alteration is predicted to be deleterious by in silico analysis. Based on the available evidence, the clinical significance of this variant remains unclear.

Color Diagnostics, LLC DBA Color Health
Classification: Uncertain significance for Hereditary cancer-predisposing syndrome. Last evaluated: 2021-01-05. Review status: criteria provided, single submitter. Criteria: ACMG Guidelines, 2015. Collection method: clinical testing. Allele origin: germline.
Comment: This missense variant replaces lysine with isoleucine at codon 866 of the MSH6 protein. Computational prediction suggests that this variant may have deleterious impact on protein structure and function (internally defined REVEL score threshold >= 0.7, PMID: 27666373). To our knowledge, functional studies have not been reported for this variant. This variant has not been reported in individuals affected with hereditary cancer in the literature. This variant has been identified in 1/249780 chromosomes in the general population by the Genome Aggregation Database (gnomAD). The available evidence is insufficient to determine the role of this variant in disease conclusively. Therefore, this variant is classified as a Variant of Uncertain Significance.